The following is an entry in ClinVar:

ClinVar aggregate classification (germline): Benign/Likely benign. Review status: criteria provided, multiple submitters, no conflicts (2 of 4 stars). 4 submissions from 4 submitters: Benign (1); Likely benign (2). 1 of the submissions does not count toward it. Last evaluated 2026-06-01.

Conditions:
CNOT3-related disorder. Also called: CNOT3-related condition.

Allele frequency attached by ClinVar (database versions not stated): gnomAD exomes 0.00027; 1000 Genomes Project 30x 0.00031; gnomAD 0.00035; ExAC 0.00038; ESP Exome Variant Server 0.00038; 1000 Genomes Project 0.00040; TOPMed 0.00052.
gnomAD v4.1: 468 of 1,601,990 alleles (0.029%); highest among the groups gnomAD compares: Middle Eastern, 0.18%; no homozygotes.

Submissions (4):

CeGaT Center for Human Genetics Tuebingen
Classification: Likely benign. Last evaluated: 2026-06-01. Review status: criteria provided, single submitter. Criteria: CeGaT Center For Human Genetics Tuebingen Variant Classification Criteria Version 2. Collection method: clinical testing. Allele origin: germline. Affected: yes. Observed: 3 variant alleles.
Comment: CNOT3: BP4, BP7

Labcorp Genetics (formerly Invitae), Labcorp
Classification: Benign. Last evaluated: 2025-12-17. Review status: criteria provided, single submitter. Criteria: Invitae Variant Classification Sherloc (09022015). Collection method: clinical testing. Allele origin: germline.

Blueprint Genetics
Classification: Likely benign. Last evaluated: 2024-10-14. Review status: criteria provided, single submitter. Criteria: ACMG Guidelines, 2015. Collection method: clinical testing. Allele origin: germline.

PreventionGenetics, part of Exact Sciences
Classification: Likely benign for CNOT3-related condition. Last evaluated: 2019-05-15. Review status: no assertion criteria provided. Collection method: clinical testing. Allele origin: germline. Not counted in ClinVar's aggregate classification.
Comment: This variant is classified as likely benign based on ACMG/AMP sequence variant interpretation guidelines (Richards et al. 2015 PMID: 25741868, with internal and published modifications).

NM_014516.4(CNOT3):c.1962C>T (p.Pro654=)

Gene: CNOT3 (CCR4-NOT transcription complex subunit 3; plus strand). Cytogenetic location: 19q13.42.
Variant type: single nucleotide variant.
Coding change: c.1962C>T on transcript NM_014516.4 (MANE Select); coding-DNA position 1962, C replaced by T.
Protein change: p.Pro654=; no amino-acid change (proline 654 retained).
Molecular consequence: synonymous variant.
Genome position (GRCh38, 1-based): chr19:54,152,924, C>T. VCF-style: chr19-54152924-C-T. GRCh37 (hg19) VCF-style: chr19-54656661-C-T.
Other names: c.1962C>T (NM_014516.3).
Identifiers: ClinVar variation 2861292 (VCV002861292.20), dbSNP rs200556056, ClinGen allele CA309340705.